The following is an entry in ClinVar:

ClinVar aggregate classification (germline): Conflicting classifications of pathogenicity. Review status: criteria provided, conflicting classifications (1 of 4 stars). 2 submissions from 2 submitters: Uncertain significance (1); Likely benign (1). Last evaluated 2026-02-05.

Conditions:
ABCA1-related disorder. Also called: ABCA1-related condition; ABCA1-related disorders. Identifiers: MedGen CN239173.

Allele frequency attached by ClinVar (database versions not stated): ExAC 0.00004; gnomAD exomes 0.00005; TOPMed 0.00005; gnomAD 0.00009; ESP Exome Variant Server 0.00015.
gnomAD v4.1: 81 of 1,613,970 alleles (0.005%); highest among the groups gnomAD compares: Non-Finnish European, 0.0062%; no homozygotes.

Submissions (2):

PreventionGenetics, part of Exact Sciences
Classification: Uncertain significance for ABCA1-related condition. Last evaluated: 2026-02-05. Review status: criteria provided, single submitter. Criteria: ACMG Guidelines, 2015. Collection method: clinical testing. Allele origin: germline.
Comment: The ABCA1 c.6449C>T variant is predicted to result in the amino acid substitution p.Pro2150Leu. This variant has been reported in the heterozygous state in an individual with hypoalphalipoproteinemia (Clee et al. 2000. PubMed ID: 11086027) and in an individual in a dyslipidemia cohort (Supplemental Tables, Dron et al. 2020. PubMed ID: 32041611). In vitro functional studies of this variant demonstrate normal binding of the ABCA1 protein but defective cholesterol efflux (Singaraja et al. 2006. PubMed ID: 16873719; Quazi et al. 2013. PubMed ID: 24097981). This variant is reported in 0.0080% of alleles in individuals of African descent in gnomAD. At this time, the clinical significance of this variant is uncertain due to the absence of conclusive functional and genetic evidence.

Labcorp Genetics (formerly Invitae), Labcorp
Classification: Likely benign. Last evaluated: 2025-09-10. Review status: criteria provided, single submitter. Criteria: Invitae Variant Classification Sherloc (09022015). Collection method: clinical testing. Allele origin: germline.

NM_005502.4(ABCA1):c.6449C>T (p.Pro2150Leu)

Genes: ABCA1 (ATP binding cassette subfamily A member 1; minus strand), NIPSNAP3B (nipsnap homolog 3B; plus strand). Cytogenetic location: 9q31.1.
Variant type: single nucleotide variant.
Coding change: c.6449C>T on transcript NM_005502.4 (MANE Select); coding-DNA position 6449, C replaced by T.
Protein change: p.Pro2150Leu; replaces proline 2150 with leucine.
Molecular consequence: missense variant.
Genome position (GRCh38, 1-based): chr9:104,785,592, G>A on the plus strand (C>T on the coding strand, the complement: ABCA1 is on the minus strand). VCF-style: chr9-104785592-G-A. GRCh37 (hg19) VCF-style: chr9-107547873-G-A.
Other names: c.6449C>T (NM_005502.3); short protein forms P2150L.
Identifiers: ClinVar variation 2150101 (VCV002150101.5), dbSNP rs369098049, ClinGen allele CA5167532.